The following is an entry in ClinVar:

ClinVar aggregate classification (germline): Pathogenic. Review status: no assertion criteria provided (0 of 4 stars). 2 submissions from 2 submitters: Pathogenic (2). Last evaluated 2013-08-29.

Conditions:
Holoprosencephaly 5 (HPE5). Identifiers: Orphanet 2162, MedGen C1864827, MONDO:0012322, OMIM 609637.

Submissions (2):

GeneReviews
Classification: Pathogenic for Holoprosencephaly. Last evaluated: 2013-08-29. Review status: no assertion criteria provided. Collection method: curation. Allele origin: unknown.
ClinVar note: Converted during submission from pathologic to Pathogenic.

OMIM
Classification: Pathogenic for HOLOPROSENCEPHALY 5. Last evaluated: 1998-10-01. Review status: no assertion criteria provided. Collection method: literature only. Allele origin: germline.

Literature cited by the submitters: PubMed 9771712 (cited by OMIM).

NM_007129.5(ZIC2):c.1366GCN[45] (p.Ala456[15])

Genes: ZIC2 (Zic family zinc finger 2; plus strand), LOC110008580 (Zic family member 2 polyalanine repeat instability region; plus strand). Cytogenetic location: 13q32.3.
Variant type: Microsatellite.
Coding change: c.1366GCN[45] on transcript NM_007129.5.
Protein change: p.Ala456[15].
Other names: 30 bp ins 468-478.
Identifiers: ClinVar variation 6639 (VCV000006639.4).